The following is an entry in ClinVar:

NM_024494.3(WNT2B):c.518G>A (p.Arg173His)

Gene: WNT2B (Wnt family member 2B; plus strand). Cytogenetic location: 1p13.2.
Variant type: single nucleotide variant.
Coding change: c.518G>A on transcript NM_024494.3 (MANE Select); coding-DNA position 518, G replaced by A.
Protein change: p.Arg173His; replaces arginine 173 with histidine.
Molecular consequence: missense variant.
Genome position (GRCh38, 1-based): chr1:112,516,254, G>A. VCF-style: chr1-112516254-G-A. GRCh37 (hg19) VCF-style: chr1-113058876-G-A.
Other names: c.242G>A, p.Arg81His (NM_001291880.1); c.461G>A, p.Arg154His (NM_004185.4); c.518G>A (NM_024494.2); short protein forms R173H, R154H, R81H.
Identifiers: ClinVar variation 1981594 (VCV001981594.2), dbSNP rs764498884, ClinGen allele CA1008278.

ClinVar aggregate classification (germline): Uncertain significance. Review status: criteria provided, multiple submitters, no conflicts (2 of 4 stars). 2 submissions from 2 submitters: Uncertain significance (2). Last evaluated 2023-12-17.

Allele frequency attached by ClinVar (database versions not stated): gnomAD exomes 0.00004; ExAC 0.00005; gnomAD 0.00005; TOPMed 0.00006.
gnomAD v4.1: 71 of 1,613,996 alleles (0.0044%); highest among the groups gnomAD compares: East Asian, 0.016%; no homozygotes.

Submissions (2):

Ambry Genetics
Classification: Uncertain significance. Last evaluated: 2023-12-17. Review status: criteria provided, single submitter. Criteria: Ambry Variant Classification Scheme 2023. Collection method: clinical testing. Allele origin: germline.

Labcorp Genetics (formerly Invitae), Labcorp
Classification: Uncertain significance. Last evaluated: 2022-06-09. Review status: criteria provided, single submitter. Criteria: Invitae Variant Classification Sherloc (09022015). Collection method: clinical testing. Allele origin: germline.
Comment: This sequence change replaces arginine, which is basic and polar, with histidine, which is basic and polar, at codon 173 of the WNT2B protein (p.Arg173His). This variant is present in population databases (rs764498884, gnomAD 0.04%). This variant has not been reported in the literature in individuals affected with WNT2B-related conditions. Algorithms developed to predict the effect of missense changes on protein structure and function (SIFT, PolyPhen-2, Align-GVGD) all suggest that this variant is likely to be disruptive. In summary, the available evidence is currently insufficient to determine the role of this variant in disease. Therefore, it has been classified as a Variant of Uncertain Significance.